The following is an entry in ClinVar:

ClinVar aggregate classification (germline): Conflicting classifications of pathogenicity. Review status: criteria provided, conflicting classifications (1 of 4 stars). 5 submissions from 3 submitters: Uncertain significance (3); Likely benign (1). 1 of the submissions does not count toward it. Last evaluated 2026-03-02.

Conditions:
INSR-related disorder.
Rabson-Mendenhall syndrome. Also called: MENDENHALL SYNDROME; Pineal Hyperplasia, Insulin-Resistant Diabetes Mellitus, and Somatic Abnormalities; Pineal hyperplasia AND diabetes mellitus syndrome. Identifiers: Orphanet 769, MedGen C0271695, MONDO:0009874, OMIM 262190.
Leprechaunism syndrome. Also called: Donohue syndrome; LEPRECHAUNISM. Identifiers: Orphanet 508, MedGen C0265344, MONDO:0009517, OMIM 246200.
Insulin-resistant diabetes mellitus AND acanthosis nigricans. Also called: Insulin-resistance syndrome type A; INSULIN RECEPTOR, DEFECT IN, WITH INSULIN-RESISTANT DIABETES MELLITUS AND ACANTHOSIS NIGRICANS; IRAN, TYPE A; type A insulin resistance; DIABETES MELLITUS, INSULIN-RESISTANT, WITH ACANTHOSIS NIGRICANS, TYPE A. Identifiers: Orphanet 2297, MedGen C0342278, MONDO:0012520, OMIM 610549.

Allele frequency attached by ClinVar (database versions not stated): ExAC 0.00002; gnomAD exomes 0.00002 and 0.00007; TOPMed 0.00003; gnomAD 0.00006 and 0.00007; ESP Exome Variant Server 0.00008; 1000 Genomes Project 30x 0.00031; 1000 Genomes Project 0.00040.
gnomAD v4.1: 111 of 1,614,170 alleles (0.0069%); highest among the groups gnomAD compares: Middle Eastern, 0.049%; no homozygotes.

Submissions (5):

Women's Health and Genetics/Laboratory Corporation of America, LabCorp
Classification: Likely benign. Last evaluated: 2026-03-02. Review status: criteria provided, single submitter. Criteria: LabCorp Variant Classification Summary - May 2015. Collection method: clinical testing. Allele origin: germline.

Illumina Laboratory Services, Illumina
Classification: Uncertain significance for Insulin-resistant diabetes mellitus AND acanthosis nigricans. Last evaluated: 2018-01-12. Review status: criteria provided, single submitter. Criteria: ICSL Variant Classification Criteria 13 December 2019. Collection method: clinical testing. Allele origin: germline.

Illumina Laboratory Services, Illumina
Classification: Uncertain significance for Leprechaunism syndrome. Last evaluated: 2018-01-12. Review status: criteria provided, single submitter. Criteria: ICSL Variant Classification Criteria 13 December 2019. Collection method: clinical testing. Allele origin: germline.

Illumina Laboratory Services, Illumina
Classification: Uncertain significance for Rabson-Mendenhall syndrome. Last evaluated: 2018-01-12. Review status: criteria provided, single submitter. Criteria: ICSL Variant Classification Criteria 13 December 2019. Collection method: clinical testing. Allele origin: germline.

PreventionGenetics, part of Exact Sciences
Classification: Likely benign for INSR-related condition. Last evaluated: 2019-07-03. Review status: no assertion criteria provided. Collection method: clinical testing. Allele origin: germline. Not counted in ClinVar's aggregate classification.
Comment: This variant is classified as likely benign based on ACMG/AMP sequence variant interpretation guidelines (Richards et al. 2015 PMID: 25741868, with internal and published modifications).

NM_000208.4(INSR):c.2280A>G (p.Lys760=)

Gene: INSR (insulin receptor; minus strand). Cytogenetic location: 19p13.2.
Variant type: single nucleotide variant.
Coding change: c.2280A>G on transcript NM_000208.4 (MANE Select); coding-DNA position 2280, A replaced by G.
Protein change: p.Lys760=; no amino-acid change (lysine 760 retained).
Molecular consequence: synonymous variant.
Genome position (GRCh38, 1-based): chr19:7,143,078, T>C on the plus strand (A>G on the coding strand, the complement: INSR is on the minus strand). VCF-style: chr19-7143078-T-C. GRCh37 (hg19) VCF-style: chr19-7143089-T-C.
Other names: c.2244A>G, p.Lys748= (NM_001079817.3); c.2280A>G (NM_000208.3).
Identifiers: ClinVar variation 330463 (VCV000330463.8), dbSNP rs373695282, ClinGen allele CA9135586.